The following is an entry in ClinVar:

NM_182914.3(SYNE2):c.15058G>C (p.Glu5020Gln)

Gene: SYNE2 (spectrin repeat containing nuclear envelope protein 2; plus strand). Cytogenetic location: 14q23.2.
Variant type: single nucleotide variant.
Coding change: c.15058G>C on transcript NM_182914.3 (MANE Select); coding-DNA position 15058, G replaced by C.
Protein change: p.Glu5020Gln; replaces glutamic acid 5020 with glutamine.
Molecular consequence: missense variant.
Genome position (GRCh38, 1-based): chr14:64,141,422, G>C. VCF-style: chr14-64141422-G-C. GRCh37 (hg19) VCF-style: chr14-64608140-G-C.
Other names: c.15058G>C (NM_182914.2); c.15058G>C, p.Glu5020Gln (NM_015180.6); short protein forms E5020Q.
Identifiers: ClinVar variation 1401801 (VCV001401801.8), dbSNP rs747472621, ClinGen allele CA7222969.

ClinVar aggregate classification (germline): Uncertain significance. Review status: criteria provided, multiple submitters, no conflicts (2 of 4 stars). 2 submissions from 2 submitters: Uncertain significance (2). Last evaluated 2025-07-21.

Conditions:
Emery-Dreifuss muscular dystrophy 5, autosomal dominant (EDMD5). Also called: EMERY-DREIFUSS MUSCULAR DYSTROPHY 5. Identifiers: Orphanet 261, MedGen C2751805, MONDO:0013072, OMIM 612999.

Allele frequency attached by ClinVar (database versions not stated): ExAC 0.00001; gnomAD exomes 0.00001 and 0.00002; TOPMed 0.00002.
gnomAD v4.1: 4 of 1,614,054 alleles (0.00025%); highest among the groups gnomAD compares: Admixed American, 0.0067%; no homozygotes.

Submissions (2):

Labcorp Genetics (formerly Invitae), Labcorp
Classification: Uncertain significance for Emery-Dreifuss muscular dystrophy 5, autosomal dominant. Last evaluated: 2025-07-21. Review status: criteria provided, single submitter. Criteria: Invitae Variant Classification Sherloc (09022015). Collection method: clinical testing. Allele origin: germline.
Comment: This sequence change replaces glutamic acid, which is acidic and polar, with glutamine, which is neutral and polar, at codon 5020 of the SYNE2 protein (p.Glu5020Gln). This variant is present in population databases (rs747472621, gnomAD 0.01%). This variant has not been reported in the literature in individuals affected with SYNE2-related conditions. ClinVar contains an entry for this variant (Variation ID: 1401801). An algorithm developed to predict the effect of missense changes on protein structure and function (PolyPhen-2) suggests that this variant is likely to be disruptive. In summary, the available evidence is currently insufficient to determine the role of this variant in disease. Therefore, it has been classified as a Variant of Uncertain Significance.

Revvity Omics, Revvity
Classification: Uncertain significance for Emery-Dreifuss muscular dystrophy 5, autosomal dominant. Last evaluated: 2019-08-28. Review status: criteria provided, single submitter. Criteria: ACMG Guidelines, 2015. Collection method: clinical testing. Allele origin: germline.